The following is an entry in ClinVar:

NM_006031.6(PCNT):c.5036T>G (p.Leu1679Arg)

Gene: PCNT (pericentrin; plus strand). Cytogenetic location: 21q22.3.
Variant type: single nucleotide variant.
Coding change: c.5036T>G on transcript NM_006031.6 (MANE Select); coding-DNA position 5036, T replaced by G.
Protein change: p.Leu1679Arg; replaces leucine 1679 with arginine.
Molecular consequence: missense variant.
Genome position (GRCh38, 1-based): chr21:46,402,404, T>G. VCF-style: chr21-46402404-T-G. GRCh37 (hg19) VCF-style: chr21-47822318-T-G.
Other names: c.4682T>G, p.Leu1561Arg (NM_001315529.2); c.5036T>G (NM_006031.5); short protein forms L1561R, L1679R.
Identifiers: ClinVar variation 3587739 (VCV003587739.2).
Genomic context (GRCh38, chr21:46,402,404, plus strand): 5'-AAGAACAGCTAGAAAAGATGAAAGGTGACTTAGAAAGTAAAAATGAAGAAATACTACATC[T>G]GAACTTAAAATTGGACATGCAGAACAGCCAGACTGCTGTCAGCCTCAGAGAACTTGAGGA-3'
Protein context (NP_006022.3, residues 1669-1689): LESKNEEILH[Leu1679Arg]NLKLDMQNSQ

ClinVar aggregate classification (germline): Uncertain significance. Review status: criteria provided, multiple submitters, no conflicts (2 of 4 stars). 2 submissions from 2 submitters: Uncertain significance (2). Last evaluated 2025-06-24.

Conditions:
PCNT-related disorder. Also called: PCNT-related condition.
Microcephalic osteodysplastic primordial dwarfism type II (MOPD2). Also called: Microcephalic osteodysplastic primordial dwarfism with tooth abnormalities; MOPD II; OSTEODYSPLASTIC PRIMORDIAL DWARFISM, TYPE II. Identifiers: Orphanet 2637, MedGen C0432246, MONDO:0008872, OMIM 210720.

gnomAD v4.1: 2 of 1,613,360 alleles (0.00012%); highest among the groups gnomAD compares: Middle Eastern, 0.033%; no homozygotes.

Submissions (2):

PreventionGenetics, part of Exact Sciences
Classification: Uncertain significance for PCNT-related condition. Last evaluated: 2025-06-24. Review status: criteria provided, single submitter. Criteria: ACMG Guidelines, 2015. Collection method: clinical testing. Allele origin: germline.
Comment: The PCNT c.5036T>G variant is predicted to result in the amino acid substitution p.Leu1679Arg. To our knowledge, this variant has not been reported in the literature. This variant is reported in 0.00088% of alleles in individuals of European (Non-Finnish) descent in gnomAD. At this time, the clinical significance of this variant is uncertain due to the absence of conclusive functional and genetic evidence.

Fulgent Genetics
Classification: Uncertain significance for Microcephalic osteodysplastic primordial dwarfism type II. Last evaluated: 2024-04-15. Review status: criteria provided, single submitter. Criteria: ACMG Guidelines, 2015. Collection method: clinical testing. Allele origin: germline.